The following is an entry in ClinVar:

NM_005751.5(AKAP9):c.5894A>T (p.Glu1965Val)

Gene: AKAP9 (A-kinase anchoring protein 9; plus strand). Cytogenetic location: 7q21.2.
Variant type: single nucleotide variant.
Coding change: c.5894A>T on transcript NM_005751.5 (MANE Select); coding-DNA position 5894, A replaced by T.
Protein change: p.Glu1965Val; replaces glutamic acid 1965 with valine.
Molecular consequence: missense variant.
Genome position (GRCh38, 1-based): chr7:92,062,403, A>T. VCF-style: chr7-92062403-A-T. GRCh37 (hg19) VCF-style: chr7-91691717-A-T.
Other names: c.539A>T, p.Glu180Val (NM_001379277.1); c.5894A>T, p.Glu1965Val (NM_147185.3); short protein forms E180V, E1965V.
Identifiers: ClinVar variation 1750329 (VCV001750329.2), dbSNP rs1810033476, ClinGen allele CA368132099.

ClinVar aggregate classification (germline): Uncertain significance (1 of 4 stars; one submission).

Conditions:
Cardiovascular phenotype. Identifiers: MedGen CN230736.

Submission:

Ambry Genetics
Classification: Uncertain significance for Cardiovascular phenotype. Last evaluated: 2021-05-11. Review status: criteria provided, single submitter. Criteria: Ambry Variant Classification Scheme 2023. Collection method: clinical testing. Allele origin: germline.
Comment: The p.E1965V variant (also known as c.5894A>T), located in coding exon 24 of the AKAP9 gene, results from an A to T substitution at nucleotide position 5894. The glutamic acid at codon 1965 is replaced by valine, an amino acid with dissimilar properties. This amino acid position is well conserved in available vertebrate species. In addition, this alteration is predicted to be tolerated by in silico analysis. Since supporting evidence is limited at this time, the clinical significance of this alteration remains unclear.